The following is an entry in ClinVar:

NM_152443.3(RDH12):c.911G>A (p.Trp304Ter)

Genes: GPHN (gephyrin; plus strand), RDH12 (retinol dehydrogenase 12; plus strand), ZFYVE26 (zinc finger FYVE-type containing 26; minus strand). Cytogenetic location: 14q24.1.
Variant type: single nucleotide variant.
Coding change: c.911G>A on transcript NM_152443.3 (MANE Select); coding-DNA position 911, G replaced by A.
Protein change: p.Trp304Ter; replaces tryptophan 304 with a stop codon.
Molecular consequence: nonsense.
Genome position (GRCh38, 1-based): chr14:67,733,808, G>A. VCF-style: chr14-67733808-G-A. GRCh37 (hg19) VCF-style: chr14-68200525-G-A.
Other names: short protein forms W304*.
Identifiers: ClinVar variation 4816881 (VCV004816881.1).

ClinVar aggregate classification (germline): Likely pathogenic (1 of 4 stars; one submission).

Conditions:
Leber congenital amaurosis (LCA). Also called: Leber's amaurosis. Identifiers: Orphanet 65, MedGen C0339527, MeSH D057130, MONDO:0018998.

Submission:

Natera, Inc.
Classification: Likely pathogenic for Leber congenital amaurosis. Last evaluated: 2024-12-12. Review status: criteria provided, single submitter. Criteria: Natera Variant Classification Schema (03/2026). Collection method: clinical testing. Allele origin: germline.
Comment: The c.911G>A variant in RDH12 is a nonsense variant predicted to introduce a stop codon at amino acid 304. This variant is expected to result in nonsense mediated decay, truncation, or a dysfunctional protein product. This variant is rare in the general population with a frequency below the threshold expected for the associated phenotype(s). This variant has been observed in one or more individuals affected with the associated recessive disease, as either homozygous or compound heterozygous with a second variant (PMID: 35994252). Given the available evidence, this variant is classified as Likely Pathogenic.

Literature cited by the submitters: PubMed 35994252.